The following is an entry in ClinVar:

ClinVar aggregate classification (germline): Uncertain significance (1 of 4 stars; one submission).

Conditions:
FGFR1-related disorder. Also called: FGFR1-related disorders; FGFR1-related condition. Identifiers: MedGen CN380097.

gnomAD v4.1: 1 of 1,614,064 alleles (0.000062%); highest among the groups gnomAD compares: Non-Finnish European, 0.000085%; no homozygotes.

Submission:

PreventionGenetics, part of Exact Sciences
Classification: Uncertain significance for FGFR1-related condition. Last evaluated: 2025-03-26. Review status: criteria provided, single submitter. Criteria: ACMG Guidelines, 2015. Collection method: clinical testing. Allele origin: germline.
Comment: The FGFR1 c.186G>C variant is predicted to result in the amino acid substitution p.Gln62His. To our knowledge, this variant has not been reported in the literature. This variant is reported in 0.00088% of alleles in individuals of European (Non-Finnish) descent in gnomAD. At this time, the clinical significance of this variant is uncertain due to the absence of conclusive functional and genetic evidence.

NM_023110.3(FGFR1):c.186G>C (p.Gln62His)

Gene: FGFR1 (fibroblast growth factor receptor 1; minus strand). Cytogenetic location: 8p11.23.
Variant type: single nucleotide variant.
Coding change: c.186G>C on transcript NM_023110.3 (MANE Select); coding-DNA position 186, G replaced by C.
Protein change: p.Gln62His; replaces glutamine 62 with histidine.
Molecular consequence: missense variant. On other transcripts: intron variant (5).
Genome position (GRCh38, 1-based): chr8:38,429,854, C>G on the plus strand (G>C on the coding strand, the complement: FGFR1 is on the minus strand). VCF-style: chr8-38429854-C-G. GRCh37 (hg19) VCF-style: chr8-38287372-C-G.
Other names: c.186G>C, p.Gln62His (NM_001174063.2, NM_001174065.2, NM_001354367.2 and 3 more transcripts); c.162G>C, p.Gln54His (NM_001174064.2); c.285G>C, p.Gln95His (NM_001174067.2); c.92-1419G>C (NM_001354368.2, NM_001354370.2, NM_023106.3 and 2 more transcripts); short protein forms Q62H, Q95H, Q54H.
Identifiers: ClinVar variation 4987365 (VCV004987365.1).
Genomic context (GRCh38, chr8:38,429,854, plus strand): 5'-TGTGATGCGGGTGCGGTTGCTTTCCGCCAGCTGCACCCCGTCCCGCAGCCAGTTGATGCT[C>G]TGCACATCGTCCCGCAGCCGACAGCGAAGCTGCAGCAGGTCACCGGGGTGGACCAGGAAG-3'
Protein context (NP_075598.2, residues 52-72): QLRCRLRDDV[Gln62His]SINWLRDGVQ